The following is an entry in ClinVar:

NM_004260.4(RECQL4):c.2036C>T (p.Ser679Phe)

Gene: RECQL4 (RecQ like helicase 4; minus strand). Cytogenetic location: 8q24.3.
Variant type: single nucleotide variant.
Coding change: c.2036C>T on transcript NM_004260.4 (MANE Select); coding-DNA position 2036, C replaced by T.
Protein change: p.Ser679Phe; replaces serine 679 with phenylalanine.
Molecular consequence: missense variant.
Genome position (GRCh38, 1-based): chr8:144,513,950, G>A on the plus strand (C>T on the coding strand, the complement: RECQL4 is on the minus strand). VCF-style: chr8-144513950-G-A. GRCh37 (hg19) VCF-style: chr8-145739334-G-A.
Other names: c.2036C>T (NM_004260.3); short protein forms S679F.
Identifiers: ClinVar variation 1360760 (VCV001360760.7), dbSNP rs750457453, ClinGen allele CA4948537.

ClinVar aggregate classification (germline): Uncertain significance. Review status: criteria provided, multiple submitters, no conflicts (2 of 4 stars). 2 submissions from 2 submitters: Uncertain significance (2). Last evaluated 2025-09-28.

Conditions:
Inborn genetic diseases. Identifiers: MedGen C0950123, MeSH D030342.
Baller-Gerold syndrome (BGS). Also called: CRANIOSYNOSTOSIS WITH RADIAL DEFECTS. Identifiers: Orphanet 1225, MedGen C0265308, MONDO:0009039, OMIM 218600.

Allele frequency attached by ClinVar (database versions not stated): gnomAD 0.00001; gnomAD exomes 0.00001; TOPMed 0.00001.
gnomAD v4.1: 6 of 1,558,808 alleles (0.00038%); highest among the groups gnomAD compares: East Asian, 0.0024%; no homozygotes.

Submissions (2):

Ambry Genetics
Classification: Uncertain significance for Inborn genetic diseases. Last evaluated: 2025-09-28. Review status: criteria provided, single submitter. Criteria: Ambry Variant Classification Scheme 2023. Collection method: clinical testing. Allele origin: germline.
Comment: The p.S679F variant (also known as c.2036C>T), located in coding exon 12 of the RECQL4 gene, results from a C to T substitution at nucleotide position 2036. The serine at codon 679 is replaced by phenylalanine, an amino acid with highly dissimilar properties. This amino acid position is conserved. In addition, this alteration is predicted to be deleterious by in silico analysis. Based on the available evidence, the clinical significance of this variant remains unclear.

Labcorp Genetics (formerly Invitae), Labcorp
Classification: Uncertain significance for Baller-Gerold syndrome. Last evaluated: 2024-10-21. Review status: criteria provided, single submitter. Criteria: Invitae Variant Classification Sherloc (09022015). Collection method: clinical testing. Allele origin: germline.
Comment: This sequence change replaces serine with phenylalanine at codon 679 of the RECQL4 protein (p.Ser679Phe). The serine residue is highly conserved and there is a large physicochemical difference between serine and phenylalanine. The frequency data for this variant in the population databases is considered unreliable, as metrics indicate poor data quality at this position in the gnomAD database. This variant has not been reported in the literature in individuals affected with RECQL4-related conditions. ClinVar contains an entry for this variant (Variation ID: 1360760). Invitae Evidence Modeling of protein sequence and biophysical properties (such as structural, functional, and spatial information, amino acid conservation, physicochemical variation, residue mobility, and thermodynamic stability) indicates that this missense variant is expected to disrupt RECQL4 protein function with a positive predictive value of 80%. In summary, the available evidence is currently insufficient to determine the role of this variant in disease. Therefore, it has been classified as a Variant of Uncertain Significance.